The following is an entry in ClinVar:

NM_000110.4(DPYD):c.191A>C (p.His64Pro)

Gene: DPYD (dihydropyrimidine dehydrogenase; minus strand). Cytogenetic location: 1p21.3.
Variant type: single nucleotide variant.
Coding change: c.191A>C on transcript NM_000110.4 (MANE Select); coding-DNA position 191, A replaced by C.
Protein change: p.His64Pro; replaces histidine 64 with proline.
Molecular consequence: missense variant.
Genome position (GRCh38, 1-based): chr1:97,828,156, T>G on the plus strand (A>C on the coding strand, the complement: DPYD is on the minus strand). VCF-style: chr1-97828156-T-G. GRCh37 (hg19) VCF-style: chr1-98293712-T-G.
Other names: c.191A>C, p.His64Pro (NM_001160301.1); short protein forms H64P.
Identifiers: ClinVar variation 4870091 (VCV004870091.1).
Genomic context (GRCh38, chr1:97,828,156, plus strand): 5'-ATGGTGACCCAGACTTACCTCATTGCTTCTCGGAGAGCTCCTCGCTCACCAAGAGTCGTG[T>G]GCTTGATGTCATCAAAATTATTCTCCAGCTTCTCACAATTCTGCAACATATTTAAAAATT-3'
Protein context (NP_000101.2, residues 54-74): KLENNFDDIK[His64Pro]TTLGERGALR

ClinVar aggregate classification (germline): Uncertain significance (1 of 4 stars; one submission).

Conditions:
Inborn genetic diseases. Identifiers: MedGen C0950123, MeSH D030342.

Submission:

Ambry Genetics
Classification: Uncertain significance for Inborn genetic diseases. Last evaluated: 2026-05-14. Review status: criteria provided, single submitter. Criteria: Ambry Variant Classification Scheme 2023. Collection method: clinical testing. Allele origin: germline.
Comment: The p.H64P variant (also known as c.191A>C), located in coding exon 3 of the DPYD gene, results from an A to C substitution at nucleotide position 191. The histidine at codon 64 is replaced by proline, an amino acid with similar properties. This amino acid position is conserved. In addition, this alteration is predicted to be deleterious by in silico analysis. Based on the available evidence, the clinical significance of this variant remains unclear.